The following is an entry in ClinVar:

ClinVar aggregate classification (germline): Uncertain significance (1 of 4 stars; one submission).

Conditions:
Pitt-Hopkins-like syndrome 2 (PTHSL2). Identifiers: Orphanet 221150, Orphanet 600663, MedGen C3280479, MONDO:0013690, OMIM 614325.

Submission:

Labcorp Genetics (formerly Invitae), Labcorp
Classification: Uncertain significance for Pitt-Hopkins-like syndrome 2. Last evaluated: 2025-04-09. Review status: criteria provided, single submitter. Criteria: Invitae Variant Classification Sherloc (09022015). Collection method: clinical testing. Allele origin: germline.
Comment: This sequence change falls in intron 2 of the NRXN1 gene. It does not directly change the encoded amino acid sequence of the NRXN1 protein. It affects a nucleotide within the consensus splice site. This variant is not present in population databases (gnomAD no frequency). This variant has not been reported in the literature in individuals affected with NRXN1-related conditions. Variants that disrupt the consensus splice site are a relatively common cause of aberrant splicing (PMID: 17576681, 9536098). Algorithms developed to predict the effect of sequence changes on RNA splicing suggest that this variant is not likely to affect RNA splicing. In summary, the available evidence is currently insufficient to determine the role of this variant in disease. Therefore, it has been classified as a Variant of Uncertain Significance.

Literature cited by the submitters: PubMed 17576681; PubMed 9536098.

NM_001330078.2(NRXN1):c.772+6G>T

Gene: NRXN1 (neurexin 1; minus strand). Cytogenetic location: 2p16.3.
Variant type: single nucleotide variant.
Coding change: c.772+6G>T on transcript NM_001330078.2 (MANE Select); 6 bases into the intron after coding-DNA position 772, G replaced by T.
Molecular consequence: intron variant.
Genome position (GRCh38, 1-based): chr2:51,027,496, C>A on the plus strand (G>T on the coding strand, the complement: NRXN1 is on the minus strand). VCF-style: chr2-51027496-C-A. GRCh37 (hg19) VCF-style: chr2-51254634-C-A.
Other names: c.772+6G>T (NM_001330077.2, NM_001330085.2, NM_004801.6 and 15 more transcripts).
Identifiers: ClinVar variation 4716939 (VCV004716939.1).